The following is an entry in ClinVar:

ClinVar aggregate classification (germline): Uncertain significance (1 of 4 stars; one submission).

Conditions:
Inborn genetic diseases. Identifiers: MedGen C0950123, MeSH D030342.

Submission:

Ambry Genetics
Classification: Uncertain significance for Inborn genetic diseases. Last evaluated: 2025-02-24. Review status: criteria provided, single submitter. Criteria: Ambry Variant Classification Scheme 2023. Collection method: clinical testing. Allele origin: germline.
Comment: The c.566_568delCCTinsACC variant (also known as p.P189_S190delinsHP), located in coding exon 1 of the CEBPA gene, results from an in-frame deletion of CCT and insertion of ACC at nucleotide positions 566 to 568. This results in the deletion of two amino acids (PS) and the insertion of two new amino acids (HP) at codons 189 and 190. This amino acid region is not well conserved in available vertebrate species. In addition, this alteration is predicted to be neutral by in silico analysis (Choi Y et al. PLoS ONE. 2012; 7(10):e46688). Based on the available evidence, the clinical significance of this variant remains unclear.

NM_004364.5(CEBPA):c.566_568delinsACC (p.Pro189_Ser190delinsHisPro)

Gene: CEBPA (CCAAT enhancer binding protein alpha; minus strand). Cytogenetic location: 19q13.11.
Variant type: Indel.
Coding change: c.566_568delinsACC on transcript NM_004364.5 (MANE Select); coding-DNA positions 566 to 568, CCT replaced by ACC.
Protein change: p.Pro189_Ser190delinsHisPro.
Molecular consequence: missense variant.
Genome position (GRCh38, 1-based): chr19:33,301,847-33,301,849, AGG replaced by GGT on the plus strand (CCT replaced by ACC on the coding strand, the reverse complement: CEBPA is on the minus strand). VCF-style: chr19-33301847-AGG-GGT. GRCh37 (hg19) VCF-style: chr19-33792753-AGG-GGT.
Other names: c.209_211delinsACC, p.Pro70_Ser71delinsHisPro (NM_001285829.2); c.671_673delinsACC, p.Pro224_Ser225delinsHisPro (NM_001287424.2); c.524_526delinsACC, p.Pro175_Ser176delinsHisPro (NM_001287435.2).
Identifiers: ClinVar variation 3831187 (VCV003831187.1).